The following is an entry in ClinVar:

NM_005518.4(HMGCS2):c.79C>T (p.Arg27Cys)

Genes: HMGCS2 (3-hydroxy-3-methylglutaryl-CoA synthase 2; minus strand), LOC122094910 (Sharpr-MPRA regulatory region 1341; plus strand). Cytogenetic location: 1p12.
Variant type: single nucleotide variant.
Coding change: c.79C>T on transcript NM_005518.4 (MANE Select); coding-DNA position 79, C replaced by T.
Protein change: p.Arg27Cys; replaces arginine 27 with cysteine.
Molecular consequence: missense variant.
Genome position (GRCh38, 1-based): chr1:119,768,766, G>A on the plus strand (C>T on the coding strand, the complement: HMGCS2 is on the minus strand). VCF-style: chr1-119768766-G-A. GRCh37 (hg19) VCF-style: chr1-120311389-G-A.
Other names: c.79C>T, p.Arg27Cys (NM_001166107.1); short protein forms R27C.
Identifiers: ClinVar variation 2048949 (VCV002048949.1), dbSNP rs376238143, ClinGen allele CA1037987.

ClinVar aggregate classification (germline): Uncertain significance (1 of 4 stars; one submission).

Conditions:
3-hydroxy-3-methylglutaryl-CoA synthase deficiency (HMGCS2D). Also called: HMG-CoA synthase-2 deficiency; HMGCS2 DEFICIENCY; MITOCHONDRIAL HMG-CoA SYNTHASE DEFICIENCY. Identifiers: Orphanet 35701, MedGen C2751532, MONDO:0011614, OMIM 605911.

Allele frequency attached by ClinVar (database versions not stated): gnomAD exomes 0.00005; gnomAD 0.00006; TOPMed 0.00007; ESP Exome Variant Server 0.00008; ExAC 0.00009; 1000 Genomes Project 30x 0.00016; 1000 Genomes Project 0.00020.
gnomAD v4.1: 91 of 1,613,832 alleles (0.0056%); highest among the groups gnomAD compares: Middle Eastern, 0.033%; no homozygotes.

Submission:

Labcorp Genetics (formerly Invitae), Labcorp
Classification: Uncertain significance for 3-hydroxy-3-methylglutaryl-CoA synthase deficiency. Last evaluated: 2022-02-09. Review status: criteria provided, single submitter. Criteria: Invitae Variant Classification Sherloc (09022015). Collection method: clinical testing. Allele origin: germline.
Comment: This sequence change replaces arginine, which is basic and polar, with cysteine, which is neutral and slightly polar, at codon 27 of the HMGCS2 protein (p.Arg27Cys). This variant is present in population databases (rs376238143, gnomAD 0.1%). This variant has not been reported in the literature in individuals affected with HMGCS2-related conditions. Algorithms developed to predict the effect of missense changes on protein structure and function are either unavailable or do not agree on the potential impact of this missense change (SIFT: "Deleterious"; PolyPhen-2: "Benign"; Align-GVGD: "Class C0"). In summary, the available evidence is currently insufficient to determine the role of this variant in disease. Therefore, it has been classified as a Variant of Uncertain Significance.